The following is an entry in ClinVar:

ClinVar aggregate classification (germline): Uncertain significance. Review status: criteria provided, multiple submitters, no conflicts (2 of 4 stars). 7 submissions from 7 submitters: Uncertain significance (6). 1 of the submissions does not count toward it. Last evaluated 2025-11-04.

Conditions:
Phosphate transport defect (GSD1C). Also called: GSD Ic; GLYCOGEN STORAGE DISEASE Ic. Identifiers: Orphanet 364, Orphanet 79259, MedGen C0342749, OMIM 232240.
Glucose-6-phosphate transport defect (GSD1B). Also called: GSD Ib; Glycogen Storage Disease Type Ib. Identifiers: Orphanet 364, Orphanet 79259, MedGen C0268146, MONDO:0009288, OMIM 232220.
Congenital disorder of glycosylation, type IIw. Identifiers: MedGen C5561986, MONDO:0030437, OMIM 619525.
Inborn genetic diseases. Identifiers: MedGen C0950123, MeSH D030342.

Allele frequency attached by ClinVar (database versions not stated): gnomAD exomes 0.00004 and 0.00008; ExAC 0.00017; ESP Exome Variant Server 0.00024; gnomAD 0.00051 and 0.00054; TOPMed 0.00100; 1000 Genomes Project 0.00140; 1000 Genomes Project 30x 0.00156.

Submissions (7):

Ambry Genetics
Classification: Uncertain significance for Inborn genetic diseases. Last evaluated: 2025-11-04. Review status: criteria provided, single submitter. Criteria: Ambry Variant Classification Scheme 2023. Collection method: clinical testing. Allele origin: germline.
Comment: The p.S81F variant (also known as c.242C>T), located in coding exon 2 of the SLC37A4 gene, results from a C to T substitution at nucleotide position 242. The serine at codon 81 is replaced by phenylalanine, an amino acid with highly dissimilar properties. This amino acid position is conserved. In addition, this alteration is predicted to be deleterious by in silico analysis. Since supporting evidence is limited at this time, the clinical significance of this alteration remains unclear.

Mayo Clinic Laboratories, Mayo Clinic
Classification: Uncertain significance. Last evaluated: 2025-09-11. Review status: criteria provided, single submitter. Criteria: ACMG Guidelines, 2015. Collection method: clinical testing. Allele origin: germline. Observed: 3 variant alleles.
Comment: BS1

Labcorp Genetics (formerly Invitae), Labcorp
Classification: Uncertain significance for Glucose-6-phosphate transport defect. Last evaluated: 2025-01-28. Review status: criteria provided, single submitter. Criteria: Invitae Variant Classification Sherloc (09022015). Collection method: clinical testing. Allele origin: germline.
Comment: This sequence change replaces serine, which is neutral and polar, with phenylalanine, which is neutral and non-polar, at codon 81 of the SLC37A4 protein (p.Ser81Phe). This variant is present in population databases (rs181879065, gnomAD 0.05%). This variant has not been reported in the literature in individuals affected with SLC37A4-related conditions. ClinVar contains an entry for this variant (Variation ID: 654503). Invitae Evidence Modeling of protein sequence and biophysical properties (such as structural, functional, and spatial information, amino acid conservation, physicochemical variation, residue mobility, and thermodynamic stability) indicates that this missense variant is not expected to disrupt SLC37A4 protein function with a negative predictive value of 80%. In summary, the available evidence is currently insufficient to determine the role of this variant in disease. Therefore, it has been classified as a Variant of Uncertain Significance.

GeneDx
Classification: Uncertain significance. Last evaluated: 2025-01-10. Review status: criteria provided, single submitter. Criteria: GeneDx Variant Classification Process June 2021. Collection method: clinical testing. Allele origin: germline. Affected: yes.
Comment: In silico analysis supports that this missense variant has a deleterious effect on protein structure/function; Has not been previously published as pathogenic or benign to our knowledge

Blueprint Genetics
Classification: Uncertain significance. Last evaluated: 2024-04-16. Review status: criteria provided, single submitter. Criteria: ACMG Guidelines, 2015. Collection method: clinical testing. Allele origin: germline.

Fulgent Genetics
Classification: Uncertain significance for Glucose-6-phosphate transport defect; Phosphate transport defect; Congenital disorder of glycosylation, type IIw. Last evaluated: 2022-04-11. Review status: criteria provided, single submitter. Criteria: ACMG Guidelines, 2015. Collection method: clinical testing. Allele origin: unknown.

Natera, Inc.
Classification: Uncertain significance for Glycogen storage disease type Ib. Last evaluated: 2020-09-16. Review status: no assertion criteria provided. Collection method: clinical testing. Allele origin: germline. Not counted in ClinVar's aggregate classification.

NM_001164277.2(SLC37A4):c.242C>T (p.Ser81Phe)

Gene: SLC37A4 (solute carrier family 37 member 4; minus strand). Cytogenetic location: 11q23.3.
Variant type: single nucleotide variant.
Coding change: c.242C>T on transcript NM_001164277.2 (MANE Select); coding-DNA position 242, C replaced by T.
Protein change: p.Ser81Phe; replaces serine 81 with phenylalanine.
Molecular consequence: missense variant.
Genome position (GRCh38, 1-based): chr11:119,028,333, G>A on the plus strand (C>T on the coding strand, the complement: SLC37A4 is on the minus strand). VCF-style: chr11-119028333-G-A. GRCh37 (hg19) VCF-style: chr11-118899043-G-A.
Other names: p.Ser81Phe; c.242C>T, p.Ser81Phe (NM_001164278.2, NM_001164280.2, NM_001467.6); c.23C>T, p.Ser8Phe (NM_001164279.2); c.242C>T (NM_001467.5); short protein forms S81F, S8F.
Identifiers: ClinVar variation 654503 (VCV000654503.14), dbSNP rs181879065, ClinGen allele CA6311879.